The following is an entry in ClinVar:

ClinVar aggregate classification (germline): Uncertain significance (1 of 4 stars; one submission).

Conditions:
Familial thoracic aortic aneurysm and aortic dissection (TAAD). Also called: Thoracic aortic aneurysms and dissections. Identifiers: Orphanet 91387, MedGen C4707243, MONDO:0019625.

Allele frequency attached by ClinVar (database versions not stated): gnomAD exomes below 0.00001; TOPMed below 0.00001.
gnomAD v4.1: 1 of 1,614,084 alleles (0.000062%); highest among the groups gnomAD compares: South Asian, 0.0011%; no homozygotes.

Submission:

Color Diagnostics, LLC DBA Color Health
Classification: Uncertain significance for Familial thoracic aortic aneurysm and aortic dissection. Last evaluated: 2024-03-06. Review status: criteria provided, single submitter. Criteria: ACMG Guidelines, 2015. Collection method: clinical testing. Allele origin: germline.
Comment: This missense variant replaces threonine with alanine at codon 1844 of the FBN1 protein. Computational prediction suggests that this variant may not impact protein structure and function (internally defined REVEL score threshold <= 0.5, PMID: 27666373). Splice site prediction tools suggest that this variant may not impact RNA splicing. To our knowledge, functional studies have not been performed for this variant. This variant has not been reported in individuals affected with cardiovascular disorders in the literature. This variant has not been identified in the general population by the Genome Aggregation Database (gnomAD). The available evidence is insufficient to determine the role of this variant in disease conclusively. Therefore, this variant is classified as a Variant of Uncertain Significance.

NM_000138.5(FBN1):c.5530A>G (p.Thr1844Ala)

Gene: FBN1 (fibrillin 1; minus strand). Cytogenetic location: 15q21.1.
Variant type: single nucleotide variant.
Coding change: c.5530A>G on transcript NM_000138.5 (MANE Select); coding-DNA position 5530, A replaced by G.
Protein change: p.Thr1844Ala; replaces threonine 1844 with alanine.
Molecular consequence: missense variant.
Genome position (GRCh38, 1-based): chr15:48,452,577, T>C on the plus strand (A>G on the coding strand, the complement: FBN1 is on the minus strand). VCF-style: chr15-48452577-T-C. GRCh37 (hg19) VCF-style: chr15-48744774-T-C.
Other names: short protein forms T1844A.
Identifiers: ClinVar variation 922403 (VCV000922403.4), dbSNP rs2043209318, ClinGen allele CA392343920.